The following is an entry in ClinVar:

ClinVar aggregate classification (germline): Uncertain significance (1 of 4 stars; one submission).

Conditions:
Primary ciliary dyskinesia. Also called: Ciliary dyskinesia. Identifiers: Orphanet 244, MedGen C0008780, MONDO:0016575, HP:0012265.

Submission:

Department of Human Genetics, Hannover Medical School
Classification: Uncertain significance for Primary Ciliary Dyskinesia. Last evaluated: 2026-04-01. Review status: criteria provided, single submitter. Criteria: ACMG Guidelines, 2015. Collection method: research. Allele origin: germline. Affected: no.
Comment: Classification performed by HerediClassify using the following criteria:['PM2_supporting: Variant occures does not occur as homozygous in gnomAD.', 'PVS1_protein_strong: Transcript ENST00000255476 is not predicted to undergo NMD. Protein length change of 0.16911764705882348 observed.']

NM_000538.4(RFXAP):c.637del (p.Arg213fs)

Gene: RFXAP (regulatory factor X associated protein; plus strand). Cytogenetic location: 13q13.3.
Variant type: Deletion.
Coding change: c.637del on transcript NM_000538.4 (MANE Select); coding-DNA position 637, one base deleted (A; older notation c.637delA).
Protein change: p.Arg213fs; shifts the reading frame from arginine 213.
Molecular consequence: frameshift variant.
Genome position (GRCh38, 1-based): chr13:36,825,464, A deleted; the last of 3 consecutive A bases (chr13:36,825,462-36,825,464); deleting any one gives the same sequence. VCF-style (leftmost placement, unchanged base first): chr13-36825461-CA-C. GRCh37 (hg19) VCF-style: chr13-37399598-CA-C.
Other names: short protein forms R213fs.
Identifiers: ClinVar variation 4880101 (VCV004880101.1).